The following is an entry in ClinVar:

ClinVar aggregate classification (germline): Uncertain significance (1 of 4 stars; one submission).

Allele frequency attached by ClinVar (database versions not stated): ExAC 0.00001; TOPMed 0.00001.
gnomAD v4.1: 14 of 1,610,174 alleles (0.00087%); highest among the groups gnomAD compares: Middle Eastern, 0.017%; no homozygotes.

Submission:

Labcorp Genetics (formerly Invitae), Labcorp
Classification: Uncertain significance. Last evaluated: 2026-01-24. Review status: criteria provided, single submitter. Criteria: Invitae Variant Classification Sherloc (09022015). Collection method: clinical testing. Allele origin: germline.
Comment: This sequence change replaces arginine, which is basic and polar, with tryptophan, which is neutral and slightly polar, at codon 337 of the MICAL1 protein (p.Arg337Trp). This variant is present in population databases (rs774702048, gnomAD 0.007%). This variant has not been reported in the literature in individuals affected with MICAL1-related conditions. ClinVar contains an entry for this variant (Variation ID: 1899420). An algorithm developed to predict the effect of missense changes on protein structure and function (PolyPhen-2) suggests that this variant is likely to be disruptive. In summary, the available evidence is currently insufficient to determine the role of this variant in disease. Therefore, it has been classified as a Variant of Uncertain Significance.

NM_022765.4(MICAL1):c.952C>T (p.Arg318Trp)

Gene: MICAL1 (microtubule associated monooxygenase, calponin and LIM domain containing 1; minus strand). Cytogenetic location: 6q21.
Variant type: single nucleotide variant.
Coding change: c.952C>T on transcript NM_022765.4 (MANE Select); coding-DNA position 952, C replaced by T.
Protein change: p.Arg318Trp; replaces arginine 318 with tryptophan.
Molecular consequence: missense variant. On other transcripts: intron variant (1).
Genome position (GRCh38, 1-based): chr6:109,450,539, G>A on the plus strand (C>T on the coding strand, the complement: MICAL1 is on the minus strand). VCF-style: chr6-109450539-G-A. GRCh37 (hg19) VCF-style: chr6-109771742-G-A.
Other names: c.1009C>T, p.Arg337Trp (NM_001286613.2); c.934-454C>T (NM_001159291.2); short protein forms R318W, R337W.
Identifiers: ClinVar variation 1899420 (VCV001899420.5), dbSNP rs774702048, ClinGen allele CA3953540.